The following is an entry in ClinVar:

ClinVar aggregate classification (germline): Likely pathogenic (1 of 4 stars; one submission).

Submission:

Labcorp Genetics (formerly Invitae), Labcorp
Classification: Likely pathogenic. Last evaluated: 2023-02-13. Review status: criteria provided, single submitter. Criteria: Invitae Variant Classification Sherloc (09022015). Collection method: clinical testing. Allele origin: germline.
Comment: In summary, the currently available evidence indicates that the variant is pathogenic, but additional data are needed to prove that conclusively. Therefore, this variant has been classified as Likely Pathogenic. Algorithms developed to predict the effect of sequence changes on RNA splicing suggest that this variant may disrupt the consensus splice site. This variant has not been reported in the literature in individuals affected with AAAS-related conditions. This variant is not present in population databases (gnomAD no frequency). This sequence change affects a donor splice site in intron 10 of the AAAS gene. It is expected to disrupt RNA splicing. Variants that disrupt the donor or acceptor splice site typically lead to a loss of protein function (PMID: 16199547), and loss-of-function variants in AAAS are known to be pathogenic (PMID: 11159947).

Literature cited by the submitters: PubMed 16199547; PubMed 11159947.

NM_015665.6(AAAS):c.996+1G>T

Gene: AAAS (aladin WD repeat nucleoporin; minus strand). Cytogenetic location: 12q13.13.
Variant type: single nucleotide variant.
Coding change: c.996+1G>T on transcript NM_015665.6 (MANE Select); the canonical splice donor site of the intron after coding-DNA position 996, G replaced by T.
Molecular consequence: splice donor variant.
Genome position (GRCh38, 1-based): chr12:53,308,959, C>A on the plus strand (G>T on the coding strand, the complement: AAAS is on the minus strand). VCF-style: chr12-53308959-C-A. GRCh37 (hg19) VCF-style: chr12-53702743-C-A.
Other names: c.897+1G>T (NM_001173466.2).
Identifiers: ClinVar variation 2836654 (VCV002836654.3), dbSNP rs2498608139, ClinGen allele CA385040967.